The following is an entry in ClinVar:

NM_001271.4(CHD2):c.2091T>A (p.Leu697=)

Gene: CHD2 (chromodomain helicase DNA binding protein 2; plus strand). Cytogenetic location: 15q26.1.
Variant type: single nucleotide variant.
Coding change: c.2091T>A on transcript NM_001271.4 (MANE Select); coding-DNA position 2091, T replaced by A.
Protein change: p.Leu697=; no amino-acid change (leucine 697 retained).
Molecular consequence: synonymous variant.
Genome position (GRCh38, 1-based): chr15:92,967,415, T>A. VCF-style: chr15-92967415-T-A. GRCh37 (hg19) VCF-style: chr15-93510645-T-A.
Identifiers: ClinVar variation 1137964 (VCV001137964.15), dbSNP rs770949083, ClinGen allele CA7747921.

ClinVar aggregate classification (germline): Likely benign. Review status: criteria provided, multiple submitters, no conflicts (2 of 4 stars). 4 submissions from 4 submitters: Likely benign (3). 1 of the submissions does not count toward it. Last evaluated 2026-06-01.

Conditions:
CHD2-related disorder. Also called: CHD2-related condition.
Developmental and epileptic encephalopathy 94 (DEE94). Also called: Epileptic encephalopathy, childhood-onset; CHD2-Related Neurodevelopmental Disorders. Identifiers: Orphanet 1942, Orphanet 2382, MedGen C3809278, MONDO:0014150, OMIM 615369.

Allele frequency attached by ClinVar (database versions not stated): TOPMed below 0.00001; gnomAD exomes 0.00001 and 0.00002; ExAC 0.00002.
gnomAD v4.1: 8 of 1,613,854 alleles (0.0005%); highest among the groups gnomAD compares: Admixed American, 0.012%; no homozygotes.

Submissions (4):

CeGaT Center for Human Genetics Tuebingen
Classification: Likely benign. Last evaluated: 2026-06-01. Review status: criteria provided, single submitter. Criteria: CeGaT Center For Human Genetics Tuebingen Variant Classification Criteria Version 2. Collection method: clinical testing. Allele origin: germline. Affected: yes. Observed: 1 variant allele.
Comment: CHD2: BP4, BP7

Labcorp Genetics (formerly Invitae), Labcorp
Classification: Likely benign for Developmental and epileptic encephalopathy 94. Last evaluated: 2025-12-08. Review status: criteria provided, single submitter. Criteria: Invitae Variant Classification Sherloc (09022015). Collection method: clinical testing. Allele origin: germline.

GeneDx
Classification: Likely benign. Last evaluated: 2021-04-20. Review status: criteria provided, single submitter. Criteria: GeneDx Variant Classification Process June 2021. Collection method: clinical testing. Allele origin: germline. Affected: yes.

PreventionGenetics, part of Exact Sciences
Classification: Likely benign for CHD2-related condition. Last evaluated: 2019-06-14. Review status: no assertion criteria provided. Collection method: clinical testing. Allele origin: germline. Not counted in ClinVar's aggregate classification.
Comment: This variant is classified as likely benign based on ACMG/AMP sequence variant interpretation guidelines (Richards et al. 2015 PMID: 25741868, with internal and published modifications).